The following continues an entry in ClinVar:

NM_000059.4(BRCA2):c.8488-1G>A

Gene: BRCA2. ClinVar aggregate classification (germline): Pathogenic. Pathogenic (1).

Submissions 8 to 17 of 33:

3billion
Classification: Pathogenic for Breast-ovarian cancer, familial, susceptibility to, 2. Last evaluated: 2025-02-07. Review status: criteria provided, single submitter. Criteria: ACMG Guidelines, 2015. Collection method: clinical testing. Allele origin: germline. Affected: yes. Not counted in ClinVar's aggregate classification.
Comment: The variant is observed at an extremely low frequency in the gnomAD v4.1.0 dataset (total allele frequency: <0.001%). Predicted Consequence/Location: Canonical splice site: predicted to alter splicing and result in a loss or disruption of normal protein function. Multiple pathogenic loss-of-function variants are reported downstream of the variant. In silico tools predict the variant to alter splicing and produce an abnormal transcript [SpliceAI: 0.92 (spliceogenicity >=0.2, non-spliceogenicity <0.1)]. The variant has been reported multiple times as an established pathogenic variant (ClinVar ID: VCV000038164 /PMID: 12065746). Therefore, this variant is classified as Pathogenic according to the recommendation of ACMG/AMP guideline.

Ambry Genetics
Classification: Pathogenic for Hereditary cancer-predisposing syndrome. Last evaluated: 2024-10-15. Review status: criteria provided, single submitter. Criteria: Ambry Variant Classification Scheme 2023. Collection method: clinical testing. Allele origin: germline. Not counted in ClinVar's aggregate classification.
Comment: The c.8488-1G>A intronic pathogenic mutation results from a G to A substitution one nucleotide upstream from coding exon 19 of the BRCA2 gene. Results from various functional splicing assays performed on this alteration demonstrated that this mutation results in three to five different abnormally spliced transcripts, which includes production of an abnormal transcript that loses 12 nucleotides of exon 20, a transcript that retains intron 19, and another transcript with exon 20 skipping (Acedo et al. Breast Cancer Res. 2012 May; 25:14(3):R87; Santos C et al. J. Mol. Diagn. 2014 May;16(3):324-34; Acedo et al Hum. Mutat. 2015 Feb;36(2):210-21; Ambry internal data). This variant is considered to be rare based on population cohorts in the Genome Aggregation Database (gnomAD). In addition to the clinical data presented in the literature, alterations that disrupt the canonical splice site are expected to cause aberrant splicing, resulting in an abnormal protein or a transcript that is subject to nonsense-mediated mRNA decay. As such, this alteration is classified as a disease-causing mutation. However, because this variant is identified in one or more patients with Fanconi Anemia it may be hypomorphic and thus, carriers of this variant and their families may present with reduced risks, and not with the typical clinical characteristics of a high-risk pathogenic BRCA2 alteration. As risk estimates are unknown at this time, clinical correlation is advised.

All of Us Research Program, National Institutes of Health
Classification: Pathogenic for BRCA2-related cancer predisposition. Last evaluated: 2024-09-02. Review status: criteria provided, single submitter. Criteria: ACMG Guidelines, 2015. Collection method: clinical testing. Allele origin: germline. Inheritance: Autosomal dominant inheritance. Observed: 9 variant alleles, 9 heterozygotes. Not counted in ClinVar's aggregate classification.
Comment: This variant causes a G>A nucleotide substitution at the canonical -1 position of intron 19 splice acceptor site of the BRCA2 gene. This variant is also known as IVS19-1G>A in the literature. RNA studies have shown that this variant results in several different abnormally spliced transcripts, including a transcript missing 12 nucleotides of exon 20, a transcript that retains intron 19, and another transcript with exon 20 skipping (PMID: 12065746, 22632462, 24607278, 25382762; ClinVar SCV000278235.5). Functional studies have shown that the mutant protein results in a decreased number of cells with RAD51 foci and reduced focus size, confers a moderate defect in homologous recombination, and disrupts replication fork protection function (PMID: 32354836). This variant has been observed in over ten individuals affected with breast and/or ovarian cancer (PMID: 22632462, 22798144, 24916970, 27741520, 33008098; Chheda 2020, DOI: 10.4103/CRST.CRST_1; Color data) and in an individual affected with colorectal cancer with family history of breast cancer (PMID: 33309985). This variant has also been reported in a homozygous individual affected with a mild form of Fanconi anemia (PMID: 12065746), and cells derived from this individual showed a modest sensitivity to a DNA damaging agent, suggesting that this variant may be hypomorphic in some individuals. This variant has not been identified in the general population by the Genome Aggregation Database (gnomAD). Loss of BRCA2 function is a known mechanism of disease. Based on the available evidence, this variant is classified as Pathogenic.

This study involves interpretation of variants in research participants for the purpose of population health screening. Participant phenotype was not available at the time of variant classification. Additional details can be found in publication PMID: 35346344, PMCID: PMC8962531

Baylor Genetics
Classification: Pathogenic for Familial cancer of breast. Last evaluated: 2024-03-09. Review status: criteria provided, single submitter. Criteria: ACMG Guidelines, 2015. Collection method: clinical testing. Allele origin: unknown. Not counted in ClinVar's aggregate classification.

Color Diagnostics, LLC DBA Color Health
Classification: Pathogenic for Hereditary cancer-predisposing syndrome. Last evaluated: 2024-01-23. Review status: criteria provided, single submitter. Criteria: ACMG Guidelines, 2015. Collection method: clinical testing. Allele origin: germline. Not counted in ClinVar's aggregate classification.
Comment: This variant causes a G>A nucleotide substitution at the canonical -1 position of intron 19 splice acceptor site of the BRCA2 gene. This variant is also known as IVS19-1G>A in the literature. RNA studies have shown that this variant results in several different abnormally spliced transcripts, including a transcript missing 12 nucleotides of exon 20, a transcript that retains intron 19, and another transcript with exon 20 skipping (PMID: 12065746, 22632462, 24607278, 25382762; ClinVar SCV000278235.5). Functional studies have shown that the mutant protein results in a decreased number of cells with RAD51 foci and reduced focus size, confers a moderate defect in homologous recombination, and disrupts replication fork protection function (PMID: 32354836). This variant has been observed in over ten individuals affected with breast and/or ovarian cancer (PMID: 22632462, 22798144, 24916970, 27741520, 33008098; Chheda 2020, DOI: 10.4103/CRST.CRST_1; Color data) and in an individual affected with colorectal cancer with family history of breast cancer (PMID: 33309985). This variant has also been reported in a homozygous individual affected with a mild form of Fanconi anemia (PMID: 12065746), and cells derived from this individual showed a modest sensitivity to a DNA damaging agent, suggesting that this variant may be hypomorphic in some individuals. This variant has not been identified in the general population by the Genome Aggregation Database (gnomAD). Loss of BRCA2 function is a known mechanism of disease. Based on the available evidence, this variant is classified as Pathogenic.

Institute for Genomic Medicine (IGM) Clinical Laboratory, Nationwide Children's Hospital
Classification: Pathogenic for Hereditary cancer-predisposing syndrome. Last evaluated: 2023-11-20. Review status: criteria provided, single submitter. Criteria: ACMG Guidelines, 2015. Collection method: clinical testing. Allele origin: germline. Not counted in ClinVar's aggregate classification.
Comment: This variant is predicted to result in loss of function through nonsense-mediated decay of the encoded transcript or premature truncation of the encoded protein in a gene in which loss of function is a known mechanism of disease (ACMG/AMP: PVS1; PMIDs:29907814, 30078507, 30606148, 31331294). Well-established functional studies have demonstrated this variant to have a damaging effect on protein function or splicing (ACMG/AMP: PS3_Moderate; PMIDs:12065746, 25382762, 24607278, 22632462). This variant has been reported at an elevated frequency in affected individuals/in multiple affected individuals in the literature (ACMG/AMP: PS4; PMIDs:22632462, 24607278, 27741520, 29907814, 30078507, 30606148, 31331294). This variant is absent from or present at an exceedingly low frequency in gnomAD, a large-scale control population database (ACMG/AMP: PM2).

Baylor Genetics
Classification: Pathogenic for Breast-ovarian cancer, familial, susceptibility to, 2. Last evaluated: 2023-10-31. Review status: criteria provided, single submitter. Criteria: ACMG Guidelines, 2015. Collection method: clinical testing. Allele origin: unknown. Not counted in ClinVar's aggregate classification.

Mayo Clinic Laboratories, Mayo Clinic
Classification: Likely pathogenic. Last evaluated: 2022-08-05. Review status: criteria provided, single submitter. Criteria: ACMG Guidelines, 2015. Collection method: clinical testing. Allele origin: germline. Observed: 1 variant allele. Not counted in ClinVar's aggregate classification.
Comment: PP3, PP5, PM2, PS3_moderate, PVS1_moderate

Dasa
Classification: Pathogenic for BRCA2-related disorder. Last evaluated: 2022-04-10. Review status: criteria provided, single submitter. Criteria: ACMG Guidelines, 2015. Collection method: clinical testing. Allele origin: germline. Affected: yes. Observed: 1 variant allele. Not counted in ClinVar's aggregate classification.
Comment: The c.8488-1G>A variant is located in a canonical splice-site, and it is predicted to alter gene function due to either exon skipping or nonsense-mediate decay – NMD, and the variant is present in a relevant exon to the transcript - PVS1. This sequence change has been observed in affected individual(s) and ClinVar contains an entry for this variant (ClinVar ID: 38164; PMID: 22632462; PMID: 24607278; PMID: 27741520; PMID: 25382762; PMID: 22632462) - PS4. This variant is not present in population databases (rs397507404- gnomAD; ABraOM no frequency) - PM2. In summary, the currently available evidence indicates that the variant is pathogenic

Quest Diagnostics Nichols Institute San Juan Capistrano
Classification: Pathogenic. Last evaluated: 2021-11-10. Review status: criteria provided, single submitter. Criteria: Quest Diagnostics criteria. Collection method: clinical testing. Allele origin: unknown. Not counted in ClinVar's aggregate classification.
Comment: This variant disrupts a canonical splice-acceptor site and interferes with normal BRCA2 mRNA splicing (PMIDs: 22632462 (2012), 24607278 (2014)). In the published literature, the variant has been reported in individuals with Fanconi anemia (PMID: 12065746 (2002)) and with breast/ovarian cancer (PMIDs: 24607278 (2014), 30078507 (2018), 30606148 (2019)). It has not been reported in large, multi-ethnic general populations. Based on the available information, this variant is classified as pathogenic.